The following is an entry in ClinVar:

NM_003579.4(RAD54L):c.2026C>T (p.His676Tyr)

Genes: RAD54L (RAD54 like; plus strand), LRRC41 (leucine rich repeat containing 41; minus strand). Cytogenetic location: 1p34.1.
Variant type: single nucleotide variant.
Coding change: c.2026C>T on transcript NM_003579.4 (MANE Select); coding-DNA position 2026, C replaced by T.
Protein change: p.His676Tyr; replaces histidine 676 with tyrosine.
Molecular consequence: missense variant. On other transcripts: 3 prime UTR variant (1).
Genome position (GRCh38, 1-based): chr1:46,277,973, C>T. VCF-style: chr1-46277973-C-T. GRCh37 (hg19) VCF-style: chr1-46743645-C-T.
Other names: NP_003570.2:p.His676Tyr; c.*892G>A (NM_006369.5); c.2026C>T, p.His676Tyr (NM_001142548.2); c.1486C>T, p.His496Tyr (NM_001370766.1); c.2026C>T (NM_003579.3); short protein forms H496Y, H676Y.
Identifiers: ClinVar variation 1678937 (VCV001678937.4), dbSNP rs751010909, ClinGen allele CA834785.
Genomic context (GRCh38, chr1:46,277,973, plus strand): 5'-TTCTCTCTGGGCGAGTTGAAGGAGCTGTTTATCCTGGATGAAGCTAGCCTCAGTGACACA[C>T]ATGACAGGTGGGGAAGTGCCCTAACCATTATCTCTAAGCTACCCACACAGTAGGGAGATG-3'
Protein context (NP_003570.2, residues 666-686): ILDEASLSDT[His676Tyr]DRLHCRRCVN

ClinVar aggregate classification (germline): Conflicting classifications of pathogenicity. Review status: criteria provided, conflicting classifications (1 of 4 stars). 2 submissions from 2 submitters: Uncertain significance (1); Likely benign (1). Last evaluated 2024-04-25.

Conditions:
Hereditary breast ovarian cancer syndrome. Also called: Hereditary breast and ovarian cancer syndrome; BRCA1- and BRCA2-Associated Hereditary Breast and Ovarian Cancer; Hereditary breast and ovarian cancer syndrome (HBOC); Hereditary breast and/or ovarian cancer syndrome; Breast and ovarian cancer; Hereditary breast and ovarian cancer. Identifiers: Orphanet 145, MedGen C0677776, MeSH D061325, MONDO:0003582. Disease mechanism: loss of function.

Allele frequency attached by ClinVar (database versions not stated): TOPMed below 0.00001; ExAC 0.00001; gnomAD 0.00001; gnomAD exomes 0.00001.
gnomAD v4.1: 14 of 1,614,066 alleles (0.00087%); highest among the groups gnomAD compares: Admixed American, 0.0067%; no homozygotes.

Submissions (2):

Ambry Genetics
Classification: Uncertain significance. Last evaluated: 2024-04-25. Review status: criteria provided, single submitter. Criteria: Ambry Variant Classification Scheme 2023. Collection method: clinical testing. Allele origin: germline.
Comment: The p.H676Y variant (also known as c.2026C>T), located in coding exon 17 of the RAD54L gene, results from a C to T substitution at nucleotide position 2026. The histidine at codon 676 is replaced by tyrosine, an amino acid with similar properties. This amino acid position is conserved. In addition, this alteration is predicted to be deleterious by in silico analysis. Since supporting evidence is limited at this time, the clinical significance of this alteration remains unclear.

National Health Laboratory Service, Universitas Academic Hospital and University of the Free State
Classification: Likely benign for Hereditary breast ovarian cancer syndrome. Last evaluated: 2022-04-19. Review status: criteria provided, single submitter. Criteria: ACMG Guidelines, 2015. Collection method: clinical testing. Allele origin: germline. Affected: yes. Observed: 1 variant allele.